The following is an entry in ClinVar:

ClinVar aggregate classification (germline): Pathogenic/Likely pathogenic. Review status: criteria provided, multiple submitters, no conflicts (2 of 4 stars). 12 submissions from 12 submitters: Pathogenic (10); Likely pathogenic (1). 1 of the submissions does not count toward it. Last evaluated 2026-09-28.

Conditions:
Retinitis pigmentosa 74 (RP74). Identifiers: Orphanet 791, MedGen C4225281, MONDO:0014692, OMIM 616562.
Bardet-Biedl syndrome 2 (BBS2). Identifiers: Orphanet 110, MedGen C2936863, MONDO:0014432, OMIM 615981.
BBS2-related disorder. Also called: BBS2-related condition; BBS2-related disorders. Identifiers: MedGen CN239228.
Fetal anomalies with a likely genetic cause.
Bardet-Biedl syndrome (BBS). Identifiers: Orphanet 110, MedGen C0752166, MONDO:0015229.

Allele frequency attached by ClinVar (database versions not stated): gnomAD 0.00001; TOPMed 0.00003; ESP Exome Variant Server 0.00008.
gnomAD v4.1: 44 of 1,613,840 alleles (0.0027%); highest among the groups gnomAD compares: Non-Finnish European, 0.0034%; no homozygotes.

Submissions (12):

Genetics Laboratory, Great Ormond Street Hospital NHS Foundation Trust, North Thames Genomic Laboratory Hub
Classification: Pathogenic for Fetal anomalies with a likely genetic cause. Last evaluated: 2026-09-28. Review status: criteria provided, single submitter. Criteria: ACGS Best Practice Guidelines for Variant Classification in Rare Disease 2024 v1.2. Collection method: clinical testing. Allele origin: germline. Affected: yes.
Comment: PM2_moderate, PVS1_very-strong, PM3_strong

Natera, Inc.
Classification: Pathogenic for Bardet-Biedl syndrome type 2. Last evaluated: 2025-06-05. Review status: criteria provided, single submitter. Criteria: Natera Variant Classification Schema (03/2026). Collection method: clinical testing. Allele origin: germline.
Comment: The c.1864C>T variant in BBS2 is a nonsense variant predicted to introduce a stop codon at amino acid 622. This variant is expected to result in nonsense mediated decay, truncation, or a dysfunctional protein product. This variant is rare in the general population with a frequency below the threshold expected for the associated phenotype(s). This variant has been observed in one or more individuals affected with the associated recessive disease, as either homozygous or compound heterozygous with a second variant (PMID: 26078953). Given the available evidence, this variant is classified as Pathogenic.

PreventionGenetics, part of Exact Sciences
Classification: Pathogenic for BBS2-related condition. Last evaluated: 2024-12-24. Review status: criteria provided, single submitter. Criteria: ACMG Guidelines, 2015. Collection method: clinical testing. Allele origin: germline.
Comment: The BBS2 c.1864C>T variant is predicted to result in premature protein termination (p.Arg622*). This variant has been reported as compound heterozygous in individuals with Bardet-Biedl syndrome 2 (Deveault et al 2011. PubMed ID: 21344540; Bee et al. 2015. PubMed ID: 26078953). It has also been reported in cohorts of individuals with chronic kidney disease and with inherited retinal disease (Vaisitti et al. 2020. PubMed ID: 33226606; Supplemental tables in Holtan et al. 2019. PubMed ID: 31429209). This variant is reported in 0.0062% of alleles in individuals of European (Non-Finnish) descent in gnomAD. Nonsense variants in BBS2 are expected to be pathogenic. This variant is interpreted as pathogenic.

Labcorp Genetics (formerly Invitae), Labcorp
Classification: Pathogenic for Bardet-Biedl syndrome. Last evaluated: 2024-07-06. Review status: criteria provided, single submitter. Criteria: Invitae Variant Classification Sherloc (09022015). Collection method: clinical testing. Allele origin: germline.
Comment: This sequence change creates a premature translational stop signal (p.Arg622*) in the BBS2 gene. It is expected to result in an absent or disrupted protein product. Loss-of-function variants in BBS2 are known to be pathogenic (PMID: 11285252, 20177705, 24608809, 26518167). This variant is present in population databases (rs201196733, gnomAD 0.006%). This premature translational stop signal has been observed in individuals with Bardet-Biedl syndrome (PMID: 21344540, 26078953). ClinVar contains an entry for this variant (Variation ID: 284737). Algorithms developed to predict the effect of sequence changes on RNA splicing suggest that this variant may disrupt the consensus splice site. For these reasons, this variant has been classified as Pathogenic.

Fulgent Genetics
Classification: Pathogenic for Bardet-Biedl syndrome 2; Retinitis pigmentosa 74. Last evaluated: 2024-05-09. Review status: criteria provided, single submitter. Criteria: ACMG Guidelines, 2015. Collection method: clinical testing. Allele origin: germline.

Baylor Genetics
Classification: Pathogenic for Bardet-Biedl syndrome 2. Last evaluated: 2023-09-20. Review status: criteria provided, single submitter. Criteria: ACMG Guidelines, 2015. Collection method: clinical testing. Allele origin: unknown.

Blueprint Genetics
Classification: Pathogenic for BBS2-related disorders. Last evaluated: 2022-02-17. Review status: criteria provided, single submitter. Criteria: ACMG Guidelines, 2015. Collection method: clinical testing. Allele origin: germline. Affected: yes. Observed: 3 variant alleles.

Victorian Clinical Genetics Services, Murdoch Childrens Research Institute
Classification: Pathogenic for Bardet-Biedl syndrome 2. Last evaluated: 2022-02-02. Review status: criteria provided, single submitter. Criteria: ACMG Guidelines, 2015. Collection method: clinical testing. Allele origin: germline. Inheritance: Autosomal recessive inheritance. Affected: yes.
Comment: Based on the classification scheme VCGS_Germline_v1.3.4, this variant is classified as Pathogenic. Following criteria are met: 0102 - Loss of function is a known mechanism of disease in this gene and is associated with Bardet-Biedl syndrome 2 (MIM#615981) and retinitis pigmentosa 74 (MIM#616562). (I) 0106 - This gene is associated with autosomal recessive disease. (I) 0201 - Variant is predicted to cause nonsense-mediated decay (NMD) and loss of protein (premature termination codon is located at least 54 nucleotides upstream of the final exon-exon junction). (SP) 0251 - This variant is heterozygous. (I) 0304 - Variant is present in gnomAD <0.01 for a recessive condition (v2: 7 heterozygotes, 0 homozygotes). (SP) 0701 - Other NMD-predicted variants comparable to the one identified in this case have very strong previous evidence for pathogenicity (Decipher; PMID: 31283077). (SP) 0801 - This variant has strong previous evidence of pathogenicity in unrelated individuals. This variant has been classified as likely pathogenic or pathogenic by clinical diagnostic laboratories and has been reported as compound heterozygous in individuals with Bardet-Biedl syndrome 2 (ClinVar; PMIDs: 21344540, 26078953). This variant is also compound heterozygous in one individual with chronic kidney disease without a specific diagnosis and heterozygous in an individual with inherited retinal disease (PMIDs: 33226606, 31429209). (SP) Legend: (SP) - Supporting pathogenic, (I) - Information, (SB) - Supporting benign

Women's Health and Genetics/Laboratory Corporation of America, LabCorp
Classification: Pathogenic for Bardet-Biedl syndrome 2. Last evaluated: 2018-03-02. Review status: criteria provided, single submitter. Criteria: LabCorp Variant Classification Summary - May 2015. Collection method: clinical testing. Allele origin: germline.
Comment: Variant summary: BBS2 c.1864C>T (p.Arg622X) results in a premature termination codon, predicted to cause a truncation of the encoded protein or absence of the protein due to nonsense mediated decay, which are commonly known mechanisms for disease. A truncation downstream of this position has been classified as likely pathogenic by our laboratory, c.2107C>T (p.Arg703X). The variant has been observed with an allele frequency of 2.8e-05 in 246196 control chromosomes (gnomAD). This frequency is not significantly higher than expected for a pathogenic variant in BBS2 causing Bardet-Biedl Syndrome (2.8e-05 vs. 8.5e-04), allowing no conclusion about variant significance. The variant, c.1864C>T, has been reported in the literature in individuals affected with Bardet-Biedl Syndrome (Bee 2015, Deveault 2011). These data indicate that the variant may be associated with disease. To our knowledge, no experimental evidence demonstrating an impact on protein function has been reported. Multiple ClinVar submissions from clinical diagnostic laboratories (evaluation after 2014) have classified the variant as "likely pathogenic/pathogenic." Based on the evidence outlined above, the variant was classified as pathogenic.

Center for Pediatric Genomic Medicine, Children's Mercy Hospital and Clinics
Classification: Likely pathogenic. Last evaluated: 2017-01-05. Review status: criteria provided, single submitter. Criteria: ACMG Guidelines, 2015. Collection method: clinical testing. Allele origin: germline.

Eurofins Ntd Llc (ga)
Classification: Pathogenic. Last evaluated: 2015-12-08. Review status: criteria provided, single submitter. Criteria: EGL Classification Definitions 2015. Collection method: clinical testing. Allele origin: germline. Observed: 1 variant allele, 1 heterozygote.

Counsyl
Classification: Likely pathogenic for Bardet-Biedl syndrome 2. Last evaluated: 2016-11-02. Review status: no assertion criteria provided. Collection method: clinical testing. Allele origin: unknown. Not counted in ClinVar's aggregate classification.

Literature cited by the submitters: PubMed 26078953 (cited by 4 submitters); PubMed 11285252 (cited by Labcorp Genetics (formerly Invitae), Labcorp); PubMed 20177705 (cited by Labcorp Genetics (formerly Invitae), Labcorp); PubMed 24608809 (cited by Labcorp Genetics (formerly Invitae), Labcorp); PubMed 26518167 (cited by Labcorp Genetics (formerly Invitae), Labcorp); PubMed 21344540 (cited by 4 submitters); PubMed 31283077 (cited by Victorian Clinical Genetics Services, Murdoch Childrens Research Institute); PubMed 31429209 (cited by Victorian Clinical Genetics Services, Murdoch Childrens Research Institute); PubMed 33226606 (cited by Victorian Clinical Genetics Services, Murdoch Childrens Research Institute).

NM_031885.5(BBS2):c.1864C>T (p.Arg622Ter)

Gene: BBS2 (Bardet-Biedl syndrome 2; minus strand). Cytogenetic location: 16q13.
Variant type: single nucleotide variant.
Coding change: c.1864C>T on transcript NM_031885.5 (MANE Select); coding-DNA position 1864, C replaced by T.
Protein change: p.Arg622Ter; replaces arginine 622 with a stop codon.
Molecular consequence: nonsense. On other transcripts: non-coding transcript variant (5).
Genome position (GRCh38, 1-based): chr16:56,497,013, G>A on the plus strand (C>T on the coding strand, the complement: BBS2 is on the minus strand). VCF-style: chr16-56497013-G-A. GRCh37 (hg19) VCF-style: chr16-56530925-G-A.
Other names: c.1864C>T, p.Arg622Ter (NM_001377456.1); short protein forms R622*.
Identifiers: ClinVar variation 284737 (VCV000284737.26), dbSNP rs201196733, ClinGen allele CA8065604.